The following is an entry in ClinVar:

NM_001270974.2(HYDIN):c.10922A>G (p.Asp3641Gly)

Gene: HYDIN (HYDIN axonemal central pair apparatus protein; minus strand). Cytogenetic location: 16q22.2.
Variant type: single nucleotide variant.
Coding change: c.10922A>G on transcript NM_001270974.2 (MANE Select); coding-DNA position 10922, A replaced by G.
Protein change: p.Asp3641Gly; replaces aspartic acid 3641 with glycine.
Molecular consequence: missense variant.
Genome position (GRCh38, 1-based): chr16:70,874,331, T>C on the plus strand (A>G on the coding strand, the complement: HYDIN is on the minus strand). VCF-style: chr16-70874331-T-C. GRCh37 (hg19) VCF-style: chr16-70908234-T-C.
Other names: short protein forms D3641G.
Identifiers: ClinVar variation 2646714 (VCV002646714.24), dbSNP rs753872125, ClinGen allele CA8149176.
Genomic context (GRCh38, chr16:70,874,331, plus strand): 5'-ACACTTGCCAACACTTCACTGCTGTTTCTCCCACCTGCCACCAAGTCTTCCATATCATTG[T>C]CCTCGATGATCTCTGTGAACTCAGAGATACTTATGTCTTCCTGGCTGGTGGGGGCCACCA-3'
Protein context (NP_001257903.1, residues 3631-3651): SISEFTEIIE[Asp3641Gly]NDMEDLVAAA

ClinVar aggregate classification (germline): Uncertain significance (1 of 4 stars; one submission).

Allele frequency attached by ClinVar (database versions not stated): ExAC 0.00001.

Submission:

CeGaT Center for Human Genetics Tuebingen
Classification: Uncertain significance. Last evaluated: 2023-03-01. Review status: criteria provided, single submitter. Criteria: CeGaT Center For Human Genetics Tuebingen Variant Classification Criteria Version 2. Collection method: clinical testing. Allele origin: germline. Affected: yes. Observed: 1 variant allele.
Comment: HYDIN: PM2, BP4